The following is an entry in ClinVar:

ClinVar aggregate classification (germline): Conflicting classifications of pathogenicity. Review status: criteria provided, conflicting classifications (1 of 4 stars). 2 submissions from 2 submitters: Uncertain significance (1); Likely benign (1). Last evaluated 2024-01-17.

Allele frequency attached by ClinVar (database versions not stated): gnomAD 0.00001 and 0.00002; gnomAD exomes 0.00002 and 0.00005; TOPMed 0.00003; ExAC 0.00007; ESP Exome Variant Server 0.00008; 1000 Genomes Project 0.00020; 1000 Genomes Project 30x 0.00031.
gnomAD v4.1: 34 of 1,597,458 alleles (0.0021%); highest among the groups gnomAD compares: Middle Eastern, 0.017%; no homozygotes.

Submissions (2):

Labcorp Genetics (formerly Invitae), Labcorp
Classification: Uncertain significance. Last evaluated: 2024-01-17. Review status: criteria provided, single submitter. Criteria: Invitae Variant Classification Sherloc (09022015). Collection method: clinical testing. Allele origin: germline.
Comment: This sequence change replaces threonine, which is neutral and polar, with methionine, which is neutral and non-polar, at codon 124 of the BMP2 protein (p.Thr124Met). This variant is present in population databases (rs150153389, gnomAD 0.03%). This variant has not been reported in the literature in individuals affected with BMP2-related conditions. ClinVar contains an entry for this variant (Variation ID: 1472834). Algorithms developed to predict the effect of missense changes on protein structure and function output the following: SIFT: "Not Available"; PolyPhen-2: "Benign"; Align-GVGD: "Not Available". The methionine amino acid residue is found in multiple mammalian species, which suggests that this missense change does not adversely affect protein function. In summary, the available evidence is currently insufficient to determine the role of this variant in disease. Therefore, it has been classified as a Variant of Uncertain Significance.

Blueprint Genetics
Classification: Likely benign. Last evaluated: 2023-08-17. Review status: criteria provided, single submitter. Criteria: ACMG Guidelines, 2015. Collection method: clinical testing. Allele origin: germline.

NM_001200.4(BMP2):c.371C>T (p.Thr124Met)

Gene: BMP2 (bone morphogenetic protein 2; plus strand). Cytogenetic location: 20p12.3.
Variant type: single nucleotide variant.
Coding change: c.371C>T on transcript NM_001200.4 (MANE Select); coding-DNA position 371, C replaced by T.
Protein change: p.Thr124Met; replaces threonine 124 with methionine.
Molecular consequence: missense variant.
Genome position (GRCh38, 1-based): chr20:6,778,269, C>T. VCF-style: chr20-6778269-C-T. GRCh37 (hg19) VCF-style: chr20-6758916-C-T.
Other names: short protein forms T124M.
Identifiers: ClinVar variation 1472834 (VCV001472834.7), dbSNP rs150153389, ClinGen allele CA9758669.
Genomic context (GRCh38, chr20:6,778,269, plus strand): 5'-TTCTTTTTTCTTCCCTGTTTTTCTCTATCAAATTAGAATCTTTGGAAGAACTACCAGAAA[C>T]GAGTGGGAAAACAACCCGGAGATTCTTCTTTAATTTAAGTTCTATCCCCACGGAGGAGTT-3'
Protein context (NP_001191.1, residues 114-134): HEESLEELPE[Thr124Met]SGKTTRRFFF